The following is an entry in ClinVar:

NM_016180.5(SLC45A2):c.1043G>C (p.Arg348Pro)

Gene: SLC45A2 (solute carrier family 45 member 2; minus strand). Cytogenetic location: 5p13.2.
Variant type: single nucleotide variant.
Coding change: c.1043G>C on transcript NM_016180.5 (MANE Select); coding-DNA position 1043, G replaced by C.
Protein change: p.Arg348Pro; replaces arginine 348 with proline.
Molecular consequence: missense variant. On other transcripts: synonymous variant (1).
Genome position (GRCh38, 1-based): chr5:33,951,667, C>G on the plus strand (G>C on the coding strand, the complement: SLC45A2 is on the minus strand). VCF-style: chr5-33951667-C-G. GRCh37 (hg19) VCF-style: chr5-33951772-C-G.
Other names: c.1043G>C, p.Arg348Pro (NM_001012509.4); c.717G>C, p.Pro239= (NM_001297417.4); c.1043G>C (NM_016180.3); short protein forms R348P.
Identifiers: ClinVar variation 2152042 (VCV002152042.2), dbSNP rs554113064, ClinGen allele CA3225597.

ClinVar aggregate classification (germline): Uncertain significance. Review status: criteria provided, multiple submitters, no conflicts (2 of 4 stars). 2 submissions from 2 submitters: Uncertain significance (2). Last evaluated 2025-08-06.

Conditions:
Inborn genetic diseases. Identifiers: MedGen C0950123, MeSH D030342.

Allele frequency attached by ClinVar (database versions not stated): 1000 Genomes Project 0.00020; 1000 Genomes Project 30x 0.00016.
gnomAD v4.1: 21 of 1,614,122 alleles (0.0013%); highest among the groups gnomAD compares: African/African-American, 0.025%; no homozygotes.

Submissions (2):

Ambry Genetics
Classification: Uncertain significance for Inborn genetic diseases. Last evaluated: 2025-08-06. Review status: criteria provided, single submitter. Criteria: Ambry Variant Classification Scheme 2023. Collection method: clinical testing. Allele origin: germline.

Labcorp Genetics (formerly Invitae), Labcorp
Classification: Uncertain significance. Last evaluated: 2021-12-30. Review status: criteria provided, single submitter. Criteria: Invitae Variant Classification Sherloc (09022015). Collection method: clinical testing. Allele origin: germline.
Comment: This sequence change replaces arginine, which is basic and polar, with proline, which is neutral and non-polar, at codon 348 of the SLC45A2 protein (p.Arg348Pro). This variant is present in population databases (rs554113064, gnomAD 0.03%). This variant has not been reported in the literature in individuals affected with SLC45A2-related conditions. Algorithms developed to predict the effect of missense changes on protein structure and function are either unavailable or do not agree on the potential impact of this missense change (SIFT: "Tolerated"; PolyPhen-2: "Possibly Damaging"; Align-GVGD: "Class C15"). In summary, the available evidence is currently insufficient to determine the role of this variant in disease. Therefore, it has been classified as a Variant of Uncertain Significance.